The following is an entry in ClinVar:

NM_015346.4(ZFYVE26):c.3681C>G (p.Ile1227Met)

Gene: ZFYVE26 (zinc finger FYVE-type containing 26; minus strand). Cytogenetic location: 14q24.1.
Variant type: single nucleotide variant.
Coding change: c.3681C>G on transcript NM_015346.4 (MANE Select); coding-DNA position 3681, C replaced by G.
Protein change: p.Ile1227Met; replaces isoleucine 1227 with methionine.
Molecular consequence: missense variant.
Genome position (GRCh38, 1-based): chr14:67,783,471, G>C on the plus strand (C>G on the coding strand, the complement: ZFYVE26 is on the minus strand). VCF-style: chr14-67783471-G-C. GRCh37 (hg19) VCF-style: chr14-68250188-G-C.
Other names: p.Ile1227Met; c.3681C>G (NM_015346.3); short protein forms I1227M.
Identifiers: ClinVar variation 2049203 (VCV002049203.3), dbSNP rs141264277, ClinGen allele CA7239927.

ClinVar aggregate classification (germline): Uncertain significance. Review status: criteria provided, multiple submitters, no conflicts (2 of 4 stars). 3 submissions from 3 submitters: Uncertain significance (3). Last evaluated 2024-11-09.

Conditions:
Inborn genetic diseases. Identifiers: MedGen C0950123, MeSH D030342.
Spastic paraplegia. Identifiers: MedGen C0037772, HP:0001258.

Allele frequency attached by ClinVar (database versions not stated): TOPMed 0.00013; ESP Exome Variant Server 0.00015; gnomAD 0.00015.
gnomAD v4.1: 43 of 1,613,822 alleles (0.0027%); highest among the groups gnomAD compares: African/African-American, 0.047%; no homozygotes.

Submissions (3):

Ambry Genetics
Classification: Uncertain significance for Inborn genetic diseases. Last evaluated: 2024-11-09. Review status: criteria provided, single submitter. Criteria: Ambry Variant Classification Scheme 2023. Collection method: clinical testing. Allele origin: germline.

Mayo Clinic Laboratories, Mayo Clinic
Classification: Uncertain significance. Last evaluated: 2023-02-13. Review status: criteria provided, single submitter. Criteria: ACMG Guidelines, 2015. Collection method: clinical testing. Allele origin: germline. Observed: 1 variant allele.
Comment: PM2

Labcorp Genetics (formerly Invitae), Labcorp
Classification: Uncertain significance for Spastic paraplegia. Last evaluated: 2022-08-06. Review status: criteria provided, single submitter. Criteria: Invitae Variant Classification Sherloc (09022015). Collection method: clinical testing. Allele origin: germline.
Comment: This sequence change replaces isoleucine, which is neutral and non-polar, with methionine, which is neutral and non-polar, at codon 1227 of the ZFYVE26 protein (p.Ile1227Met). This variant is present in population databases (rs141264277, gnomAD 0.06%). This variant has not been reported in the literature in individuals affected with ZFYVE26-related conditions. Algorithms developed to predict the effect of missense changes on protein structure and function are either unavailable or do not agree on the potential impact of this missense change (SIFT: "Deleterious"; PolyPhen-2: "Probably Damaging"; Align-GVGD: "Class C0"). In summary, the available evidence is currently insufficient to determine the role of this variant in disease. Therefore, it has been classified as a Variant of Uncertain Significance.